The following is an entry in ClinVar:

ClinVar aggregate classification (germline): Benign/Likely benign. Review status: criteria provided, multiple submitters, no conflicts (2 of 4 stars). 3 submissions from 3 submitters: Benign (1); Likely benign (2). Last evaluated 2025-02-19.

Conditions:
Breast-ovarian cancer, familial, susceptibility to, 4. Identifiers: Orphanet 145, MedGen C3280345, MONDO:0013669, OMIM 614291.
Hereditary cancer-predisposing syndrome. Also called: Neoplastic Syndromes, Hereditary; Tumor predisposition; Hereditary Cancer Syndrome; Hereditary neoplastic syndrome. Identifiers: Orphanet 140162, MedGen C0027672, MeSH D009386, MONDO:0015356.

Submissions (3):

Myriad Genetics, Inc.
Classification: Benign for Breast-ovarian cancer, familial, susceptibility to, 4. Last evaluated: 2025-02-19. Review status: criteria provided, single submitter. Criteria: Myriad Autosomal Dominant, Autosomal Recessive and X-Linked Classification Criteria (2023). Collection method: clinical testing. Allele origin: unknown.
Comment: This variant is considered benign. This variant is a silent/synonymous amino acid change and it is not expected to impact splicing.

Labcorp Genetics (formerly Invitae), Labcorp
Classification: Likely benign for Breast-ovarian cancer, familial, susceptibility to, 4. Last evaluated: 2021-12-24. Review status: criteria provided, single submitter. Criteria: Invitae Variant Classification Sherloc (09022015). Collection method: clinical testing. Allele origin: germline.

Ambry Genetics
Classification: Likely benign for Hereditary cancer-predisposing syndrome. Last evaluated: 2018-02-27. Review status: criteria provided, single submitter. Criteria: Ambry Variant Classification Scheme 2023. Collection method: clinical testing. Allele origin: germline.

NM_002878.4(RAD51D):c.18C>T (p.Val6=)

Genes: RAD51L3-RFFL (RAD51L3-RFFL readthrough; minus strand), RAD51D (RAD51 paralog D; minus strand). Cytogenetic location: 17q12.
Variant type: single nucleotide variant.
Coding change: c.18C>T on transcript NM_002878.4 (MANE Select); coding-DNA position 18, C replaced by T.
Protein change: p.Val6=; no amino-acid change (valine 6 retained).
Molecular consequence: synonymous variant. On other transcripts: non-coding transcript variant (2).
Genome position (GRCh38, 1-based): chr17:35,119,596, G>A on the plus strand (C>T on the coding strand, the complement: RAD51D is on the minus strand). VCF-style: chr17-35119596-G-A. GRCh37 (hg19) VCF-style: chr17-33446615-G-A.
Other names: c.18C>T, p.Val6= (NM_001142571.2, NM_133629.3).
Identifiers: ClinVar variation 820302 (VCV000820302.10), dbSNP rs1200345768, ClinGen allele CA499732542.